The following is an entry in ClinVar:

ClinVar aggregate classification (germline): Conflicting classifications of pathogenicity. Review status: criteria provided, conflicting classifications (1 of 4 stars). 7 submissions from 7 submitters: Uncertain significance (5); Likely benign (1). 1 of the submissions does not count toward it. Last evaluated 2025-12-02.

Conditions:
Hereditary cancer-predisposing syndrome. Also called: Hereditary Cancer Syndrome; Neoplastic Syndromes, Hereditary; Tumor predisposition; Hereditary neoplastic syndrome. Identifiers: Orphanet 140162, MedGen C0027672, MeSH D009386, MONDO:0015356.
Breast-ovarian cancer, familial, susceptibility to, 2 (BROVCA2). Also called: BRCA2 Hereditary Breast and Ovarian Cancer. Identifiers: Orphanet 145, MedGen C2675520, MONDO:0012933, OMIM 612555. Disease mechanism: loss of function.
Hereditary breast ovarian cancer syndrome. Also called: Hereditary breast and/or ovarian cancer syndrome; BRCA1- and BRCA2-Associated Hereditary Breast and Ovarian Cancer; Hereditary breast and ovarian cancer syndrome (HBOC); Hereditary breast and ovarian cancer; Hereditary breast and ovarian cancer syndrome; Breast and ovarian cancer. Identifiers: Orphanet 145, MedGen C0677776, MeSH D061325, MONDO:0003582. Disease mechanism: loss of function.
Familial cancer of breast. Also called: Hereditary breast cancer; hereditary breast carcinoma; BREAST CANCER, FAMILIAL. Identifiers: Orphanet 227535, MedGen C0346153, MONDO:0016419, OMIM 114480. Disease mechanism: loss of function.

Allele frequency attached by ClinVar (database versions not stated): gnomAD exomes below 0.00001; gnomAD 0.00001; TOPMed 0.00001.
gnomAD v4.1: 3 of 1,613,424 alleles (0.00019%); highest among the groups gnomAD compares: Non-Finnish European, 0.00025%; no homozygotes.

Submissions (7):

Labcorp Genetics (formerly Invitae), Labcorp
Classification: Likely benign for Hereditary breast ovarian cancer syndrome. Last evaluated: 2025-12-02. Review status: criteria provided, single submitter. Criteria: Invitae Variant Classification Sherloc (09022015). Collection method: clinical testing. Allele origin: germline.

Ambry Genetics
Classification: Uncertain significance for Hereditary cancer-predisposing syndrome. Last evaluated: 2025-05-20. Review status: criteria provided, single submitter. Criteria: Ambry Variant Classification Scheme 2023. Collection method: clinical testing. Allele origin: germline.
Comment: The p.H166L variant (also known as c.497A>T), located in coding exon 5 of the BRCA2 gene, results from an A to T substitution at nucleotide position 497. The histidine at codon 166 is replaced by leucine, an amino acid with similar properties. This amino acid position is not well conserved in available vertebrate species. In addition, this alteration is predicted to be tolerated by in silico analysis. Since supporting evidence is limited at this time, the clinical significance of this alteration remains unclear.

All of Us Research Program, National Institutes of Health
Classification: Uncertain significance for Breast-ovarian cancer, familial, susceptibility to, 2. Last evaluated: 2023-12-13. Review status: criteria provided, single submitter. Criteria: ACMG Guidelines, 2015. Collection method: clinical testing. Allele origin: germline. Inheritance: Autosomal dominant inheritance. Observed: 2 variant alleles, 2 heterozygotes.
Comment: This missense variant replaces histidine with leucine at codon 166 of the BRCA2 protein. Computational prediction suggests that this variant may not impact protein structure and function (internally defined REVEL score threshold <= 0.5, PMID: 27666373). To our knowledge, functional studies have not been reported for this variant. This variant has not been reported in individuals affected with hereditary cancer in the literature. This variant has been identified in 1/251208 chromosomes in the general population by the Genome Aggregation Database (gnomAD). The available evidence is insufficient to determine the role of this variant in disease conclusively. Therefore, this variant is classified as a Variant of Uncertain Significance.

This study involves interpretation of variants in research participants for the purpose of population health screening. Participant phenotype was not available at the time of variant classification. Additional details can be found in publication PMID: 35346344, PMCID: PMC8962531

Baylor Genetics
Classification: Uncertain significance for Familial cancer of breast. Last evaluated: 2023-11-16. Review status: criteria provided, single submitter. Criteria: ACMG Guidelines, 2015. Collection method: clinical testing. Allele origin: unknown.

Color Diagnostics, LLC DBA Color Health
Classification: Uncertain significance for Hereditary cancer-predisposing syndrome. Last evaluated: 2023-09-13. Review status: criteria provided, single submitter. Criteria: ACMG Guidelines, 2015. Collection method: clinical testing. Allele origin: germline.
Comment: This missense variant replaces histidine with leucine at codon 166 of the BRCA2 protein. Computational prediction suggests that this variant may not impact protein structure and function (internally defined REVEL score threshold <= 0.5, PMID: 27666373). To our knowledge, functional studies have not been reported for this variant. This variant has not been reported in individuals affected with hereditary cancer in the literature. This variant has been identified in 1/251208 chromosomes in the general population by the Genome Aggregation Database (gnomAD). The available evidence is insufficient to determine the role of this variant in disease conclusively. Therefore, this variant is classified as a Variant of Uncertain Significance.

GeneDx
Classification: Uncertain significance. Last evaluated: 2019-05-15. Review status: criteria provided, single submitter. Criteria: GeneDx Variant Classification Process June 2021. Collection method: clinical testing. Allele origin: germline. Affected: yes.
Comment: Not observed at a significant frequency in large population cohorts (Lek et al., 2016); In silico analysis, which includes protein predictors and evolutionary conservation, supports that this variant does not alter protein structure/function; Has not been previously published as pathogenic or benign to our knowledge

Sharing Clinical Reports Project (SCRP)
Classification: Benign for Breast-ovarian cancer, familial 2. Last evaluated: 2011-03-07. Review status: no assertion criteria provided. Collection method: clinical testing. Allele origin: germline. Not counted in ClinVar's aggregate classification.

NM_000059.4(BRCA2):c.497A>T (p.His166Leu)

Gene: BRCA2 (BRCA2 DNA repair associated; plus strand). Cytogenetic location: 13q13.1.
Variant type: single nucleotide variant.
Coding change: c.497A>T on transcript NM_000059.4 (MANE Select); coding-DNA position 497, A replaced by T.
Protein change: p.His166Leu; replaces histidine 166 with leucine.
Molecular consequence: missense variant.
Genome position (GRCh38, 1-based): chr13:32,326,263, A>T. VCF-style: chr13-32326263-A-T. GRCh37 (hg19) VCF-style: chr13-32900400-A-T.
Other names: 725A>T; short protein forms H166L.
Identifiers: ClinVar variation 230063 (VCV000230063.27), dbSNP rs876658364, ClinGen allele CA10579461.